The following is an entry in ClinVar:

NM_000384.3(APOB):c.7558C>T (p.Arg2520Ter)

Gene: APOB (apolipoprotein B; minus strand). Cytogenetic location: 2p24.1.
Variant type: single nucleotide variant.
Coding change: c.7558C>T on transcript NM_000384.3 (MANE Select); coding-DNA position 7558, C replaced by T.
Protein change: p.Arg2520Ter; replaces arginine 2520 with a stop codon.
Molecular consequence: nonsense.
Genome position (GRCh38, 1-based): chr2:21,009,310, G>A on the plus strand (C>T on the coding strand, the complement: APOB is on the minus strand). VCF-style: chr2-21009310-G-A. GRCh37 (hg19) VCF-style: chr2-21232182-G-A.
Other names: c.7558C>T (NM_000384.2); short protein forms R2520*.
Identifiers: ClinVar variation 1983784 (VCV001983784.6), dbSNP rs746483297, ClinGen allele CA064509.

ClinVar aggregate classification (germline): Pathogenic/Likely pathogenic. Review status: criteria provided, multiple submitters, no conflicts (2 of 4 stars). 3 submissions from 3 submitters: Pathogenic (2); Likely pathogenic (1). Last evaluated 2025-09-15.

Conditions:
APOB-related disorder. Also called: APOB-related condition; APOB-related disorders.
Hypercholesterolemia, autosomal dominant, type B (FHCL2). Also called: HYPERCHOLESTEROLEMIA, FAMILIAL, DUE TO LIGAND-DEFECTIVE APOLIPOPROTEIN B; Familial hypercholesterolemia 2; Familial Hypercholesterolemia Type B; APOLIPOPROTEIN B-100, FAMILIAL DEFECTIVE; APOLIPOPROTEIN B-100, FAMILIAL LIGAND-DEFECTIVE; Hyperlipoproteinemia Type IIb. Identifiers: MedGen C1704417, MONDO:0007751, OMIM 144010.
Familial hypobetalipoproteinemia 1. Also called: APOB-Related Familial Hypobetalipoproteinemia; Hypobetalipoproteinemia, normotriglyceridemic; Acanthocytosis with hypobetalipoproteinemia. Identifiers: MedGen C4551990, MONDO:0014252, OMIM 615558.
Cardiovascular phenotype. Identifiers: MedGen CN230736.

Allele frequency attached by ClinVar (database versions not stated): ExAC 0.00001.
gnomAD v4.1: 15 of 1,614,072 alleles (0.00093%); highest among the groups gnomAD compares: Non-Finnish European, 0.0012%; no homozygotes.

Submissions (3):

Labcorp Genetics (formerly Invitae), Labcorp
Classification: Pathogenic for Familial hypobetalipoproteinemia 1; Hypercholesterolemia, autosomal dominant, type B. Last evaluated: 2025-09-15. Review status: criteria provided, single submitter. Criteria: Invitae Variant Classification Sherloc (09022015). Collection method: clinical testing. Allele origin: germline.
Comment: This sequence change creates a premature translational stop signal (p.Arg2520*) in the APOB gene. It is expected to result in an absent or disrupted protein product. Loss-of-function variants in APOB are known to be pathogenic (PMID: 20032471). This variant is present in population databases (rs746483297, gnomAD 0.003%). This premature translational stop signal has been observed in individual(s) with hypobetalipoproteinemia (PMID: 33207932). ClinVar contains an entry for this variant (Variation ID: 1983784). For these reasons, this variant has been classified as Pathogenic.

Blueprint Genetics
Classification: Likely pathogenic for APOB-related disorders. Last evaluated: 2024-08-29. Review status: criteria provided, single submitter. Criteria: ACMG Guidelines, 2015. Collection method: clinical testing. Allele origin: germline. Affected: yes. Observed: 2 variant alleles.

Ambry Genetics
Classification: Pathogenic for Cardiovascular phenotype. Last evaluated: 2024-04-30. Review status: criteria provided, single submitter. Criteria: Ambry Variant Classification Scheme 2023. Collection method: clinical testing. Allele origin: germline.
Comment: The p.R2520* pathogenic mutation (also known as c.7558C>T), located in coding exon 26 of the APOB gene, results from a C to T substitution at nucleotide position 7558. This changes the amino acid from an arginine to a stop codon within coding exon 26. This variant has been detected in a hypobetalipoproteinemia cohort (Rimbert A et al. Arterioscler Thromb Vasc Biol, 2021 Jan;41:e63-e71). This alteration is expected to result in loss of function by premature protein truncation or nonsense-mediated mRNA decay. Although biallelic loss of function of APOB has been associated with autosomal recessive hypobetalipoproteinemia, haploinsufficiency of APOB is not a mechanism of disease for autosomal dominant familial hypercholesterolemia. Based on the supporting evidence, this variant is expected to be causative of autosomal recessive hypobetalipoproteinemia when present along with a second pathogenic variant on the other allele; however, it is unlikely to be causative of autosomal dominant familial hypercholesterolemia.

Literature cited by the submitters: PubMed 20032471 (cited by Labcorp Genetics (formerly Invitae), Labcorp); PubMed 33207932 (cited by Labcorp Genetics (formerly Invitae), Labcorp and Ambry Genetics).